The following is an entry in ClinVar:

NM_001963.6(EGF):c.3241C>T (p.Arg1081Cys)

Gene: EGF (epidermal growth factor; plus strand). Cytogenetic location: 4q25.
Variant type: single nucleotide variant.
Coding change: c.3241C>T on transcript NM_001963.6 (MANE Select); coding-DNA position 3241, C replaced by T.
Protein change: p.Arg1081Cys; replaces arginine 1081 with cysteine.
Molecular consequence: missense variant.
Genome position (GRCh38, 1-based): chr4:110,004,572, C>T. VCF-style: chr4-110004572-C-T. GRCh37 (hg19) VCF-style: chr4-110925728-C-T.
Other names: c.3118C>T, p.Arg1040Cys (NM_001178130.3); c.3115C>T, p.Arg1039Cys (NM_001178131.3); c.2872C>T, p.Arg958Cys (NM_001357021.2); short protein forms R1081C, R958C, R1039C, R1040C.
Identifiers: ClinVar variation 1923857 (VCV001923857.5), dbSNP rs774786316, ClinGen allele CA3044218.

ClinVar aggregate classification (germline): Uncertain significance (1 of 4 stars; one submission).

Allele frequency attached by ClinVar (database versions not stated): ExAC 0.00001; gnomAD 0.00001; TOPMed 0.00002.
gnomAD v4.1: 23 of 1,613,834 alleles (0.0014%); highest among the groups gnomAD compares: East Asian, 0.0089%; no homozygotes.

Submission:

Labcorp Genetics (formerly Invitae), Labcorp
Classification: Uncertain significance. Last evaluated: 2023-07-07. Review status: criteria provided, single submitter. Criteria: Invitae Variant Classification Sherloc (09022015). Collection method: clinical testing. Allele origin: germline.
Comment: This sequence change replaces arginine, which is basic and polar, with cysteine, which is neutral and slightly polar, at codon 1081 of the EGF protein (p.Arg1081Cys). This variant is present in population databases (rs774786316, gnomAD 0.007%). This variant has not been reported in the literature in individuals affected with EGF-related conditions. ClinVar contains an entry for this variant (Variation ID: 1923857). An algorithm developed to predict the effect of missense changes on protein structure and function (PolyPhen-2) suggests that this variant is likely to be tolerated. In summary, the available evidence is currently insufficient to determine the role of this variant in disease. Therefore, it has been classified as a Variant of Uncertain Significance.